The following is an entry in ClinVar:

NM_001040108.2(MLH3):c.3238A>C (p.Lys1080Gln)

Gene: MLH3 (mutL homolog 3; minus strand). Cytogenetic location: 14q24.3.
Variant type: single nucleotide variant.
Coding change: c.3238A>C on transcript NM_001040108.2 (MANE Select); coding-DNA position 3238, A replaced by C.
Protein change: p.Lys1080Gln; replaces lysine 1080 with glutamine.
Molecular consequence: missense variant.
Genome position (GRCh38, 1-based): chr14:75,046,418, T>G on the plus strand (A>C on the coding strand, the complement: MLH3 is on the minus strand). VCF-style: chr14-75046418-T-G. GRCh37 (hg19) VCF-style: chr14-75513121-T-G.
Other names: c.3238A>C, p.Lys1080Gln (NM_014381.3); c.3238A>C (NM_001040108.1); short protein forms K1080Q.
Identifiers: ClinVar variation 1426132 (VCV001426132.9), dbSNP rs747582919, ClinGen allele CA390434492.

ClinVar aggregate classification (germline): Uncertain significance. Review status: criteria provided, multiple submitters, no conflicts (2 of 4 stars). 2 submissions from 2 submitters: Uncertain significance (2). Last evaluated 2025-01-08.

Conditions:
Colorectal cancer, hereditary nonpolyposis, type 7. Identifiers: Orphanet 144, MedGen C1858380, MONDO:0013725, OMIM 614385.

Submissions (2):

Ambry Genetics
Classification: Uncertain significance. Last evaluated: 2025-01-08. Review status: criteria provided, single submitter. Criteria: Ambry Variant Classification Scheme 2023. Collection method: clinical testing. Allele origin: germline.
Comment: The p.K1080Q variant (also known as c.3238A>C), located in coding exon 1 of the MLH3 gene, results from an A to C substitution at nucleotide position 3238. The lysine at codon 1080 is replaced by glutamine, an amino acid with similar properties. This amino acid position is conserved. In addition, this alteration is predicted to be tolerated by in silico analysis. Based on the available evidence, the clinical significance of this variant remains unclear.

Labcorp Genetics (formerly Invitae), Labcorp
Classification: Uncertain significance for Colorectal cancer, hereditary nonpolyposis, type 7. Last evaluated: 2021-02-28. Review status: criteria provided, single submitter. Criteria: Invitae Variant Classification Sherloc (09022015). Collection method: clinical testing. Allele origin: germline.
Comment: In summary, the available evidence is currently insufficient to determine the role of this variant in disease. Therefore, it has been classified as a Variant of Uncertain Significance. Algorithms developed to predict the effect of missense changes on protein structure and function output the following: SIFT: "Tolerated"; PolyPhen-2: "Benign"; Align-GVGD: "Class C0". The glutamine amino acid residue is found in multiple mammalian species, suggesting that this missense change does not adversely affect protein function. These predictions have not been confirmed by published functional studies and their clinical significance is uncertain. This variant has not been reported in the literature in individuals with MLH3-related conditions. This variant is not present in population databases (ExAC no frequency). This sequence change replaces lysine with glutamine at codon 1080 of the MLH3 protein (p.Lys1080Gln). The lysine residue is moderately conserved and there is a small physicochemical difference between lysine and glutamine.